The following is an entry in ClinVar:

ClinVar aggregate classification (germline): Likely benign. Review status: criteria provided, multiple submitters, no conflicts (2 of 4 stars). 2 submissions from 2 submitters: Likely benign (2). Last evaluated 2025-12-18.

Conditions:
ABCD4-related disorder. Also called: ABCD4-related condition.
Methylmalonic acidemia with homocystinuria, type cblJ (MAHCJ). Also called: METHYLMALONIC ACIDURIA AND HOMOCYSTINURIA, cblJ TYPE. Identifiers: Orphanet 369955, MedGen C3553915, MONDO:0013925, OMIM 614857.

Allele frequency attached by ClinVar (database versions not stated): gnomAD exomes 0.00001; ExAC 0.00002; ESP Exome Variant Server 0.00008; gnomAD 0.00008; TOPMed 0.00011.
gnomAD v4.1: 26 of 1,614,062 alleles (0.0016%); highest among the groups gnomAD compares: African/African-American, 0.033%; no homozygotes.

Submissions (2):

Labcorp Genetics (formerly Invitae), Labcorp
Classification: Likely benign for Methylmalonic acidemia with homocystinuria, type cblJ. Last evaluated: 2025-12-18. Review status: criteria provided, single submitter. Criteria: Invitae Variant Classification Sherloc (09022015). Collection method: clinical testing. Allele origin: germline.

PreventionGenetics, part of Exact Sciences
Classification: Likely benign for ABCD4-related condition. Last evaluated: 2025-01-03. Review status: criteria provided, single submitter. Criteria: ACMG Guidelines, 2015. Collection method: clinical testing. Allele origin: germline.
Comment: This variant is classified as likely benign based on ACMG/AMP sequence variant interpretation guidelines (Richards et al. 2015 PMID: 25741868, with internal and published modifications).

NM_005050.4(ABCD4):c.861T>G (p.Val287=)

Gene: ABCD4 (ATP binding cassette subfamily D member 4; minus strand). Cytogenetic location: 14q24.3.
Variant type: single nucleotide variant.
Coding change: c.861T>G on transcript NM_005050.4 (MANE Select); coding-DNA position 861, T replaced by G.
Protein change: p.Val287=; no amino-acid change (valine 287 retained).
Molecular consequence: synonymous variant. On other transcripts: non-coding transcript variant (10).
Genome position (GRCh38, 1-based): chr14:74,292,823, A>C on the plus strand (T>G on the coding strand, the complement: ABCD4 is on the minus strand). VCF-style: chr14-74292823-A-C. GRCh37 (hg19) VCF-style: chr14-74759526-A-C.
Other names: c.735T>G, p.Val245= (NM_001353591.2, NM_001353592.2); c.600T>G, p.Val200= (NM_001353593.2); c.549T>G, p.Val183= (NM_001353594.2); c.447T>G, p.Val149= (NM_001353595.2, NM_001353596.2); c.396T>G, p.Val132= (NM_001353597.2); c.384T>G, p.Val128= (NM_001353598.2, NM_001353599.2, NM_001353600.2 and 2 more transcripts); c.72T>G, p.Val24= (NM_001353602.2, NM_001353603.2, NM_001353604.2 and 6 more transcripts); c.732T>G, p.Val244= (NM_020323.1); and 2 more.
Identifiers: ClinVar variation 2143170 (VCV002143170.5), dbSNP rs377737526, ClinGen allele CA7267031.